The following is an entry in ClinVar:

NM_004595.5(SMS):c.665A>T (p.Asp222Val)

Gene: SMS (spermine synthase; plus strand). Cytogenetic location: Xp22.11.
Variant type: single nucleotide variant.
Coding change: c.665A>T on transcript NM_004595.5 (MANE Select); coding-DNA position 665, A replaced by T.
Protein change: p.Asp222Val; replaces aspartic acid 222 with valine.
Molecular consequence: missense variant.
Genome position (GRCh38, 1-based): chrX:21,978,881, A>T. VCF-style: chrX-21978881-A-T. GRCh37 (hg19) VCF-style: chrX-21996999-A-T.
Other names: c.506A>T, p.Asp169Val (NM_001258423.2); short protein forms D222V, D169V.
Identifiers: ClinVar variation 441113 (VCV000441113.3), dbSNP rs1556001304, ClinGen allele CA412568970.

ClinVar aggregate classification (germline): Likely pathogenic (1 of 4 stars; one submission).

Conditions:
SMS-related disorder. Also called: SMS-related condition.

Submission:

GeneDx
Classification: Likely pathogenic. Last evaluated: 2017-04-20. Review status: criteria provided, single submitter. Criteria: GeneDx Variant Classification (06012015). Collection method: clinical testing. Allele origin: germline. Affected: yes.
Comment: The D222V variant in the SMS gene has not been reported previously as a pathogenic variant, nor as abenign variant, to our knowledge. The D222V variant is not observed at a significant frequency inlarge population cohorts (Lek et al., 2016; 1000 Genomes Consortium et al., 2015; Exome VariantServer). The D222V variant is a non-conservative amino acid substitution, which is likely to impactsecondary protein structure as these residues differ in polarity, charge, size and/or other properties.This substitution occurs at a position that is conserved across species. In silico analysis predicts thisvariant is probably damaging to the protein structure/function. We interpret D222V as a likelypathogenic variant.